The following is an entry in ClinVar:

ClinVar aggregate classification (germline): Uncertain significance (1 of 4 stars; one submission).

Submission:

Ambry Genetics
Classification: Uncertain significance. Last evaluated: 2025-01-04. Review status: criteria provided, single submitter. Criteria: Ambry Variant Classification Scheme 2023. Collection method: clinical testing. Allele origin: germline.
Comment: The p.E205K variant (also known as c.613G>A), located in coding exon 7 of the FAM175A gene, results from a G to A substitution at nucleotide position 613. The glutamic acid at codon 205 is replaced by lysine, an amino acid with similar properties. This amino acid position is conserved. In addition, this alteration is predicted to be tolerated by in silico analysis. Based on the available evidence, the clinical significance of this variant remains unclear.

NM_139076.3(ABRAXAS1):c.613G>A (p.Glu205Lys)

Gene: ABRAXAS1 (abraxas 1, BRCA1 A complex subunit; minus strand). Cytogenetic location: 4q21.23.
Variant type: single nucleotide variant.
Coding change: c.613G>A on transcript NM_139076.3 (MANE Select); coding-DNA position 613, G replaced by A.
Protein change: p.Glu205Lys; replaces glutamic acid 205 with lysine.
Molecular consequence: missense variant.
Genome position (GRCh38, 1-based): chr4:83,467,522, C>T on the plus strand (G>A on the coding strand, the complement: ABRAXAS1 is on the minus strand). VCF-style: chr4-83467522-C-T. GRCh37 (hg19) VCF-style: chr4-84388675-C-T.
Other names: c.286G>A, p.Glu96Lys (NM_001345962.2); short protein forms E96K, E205K.
Identifiers: ClinVar variation 3798735 (VCV003798735.1).